The following is an entry in ClinVar:

ClinVar aggregate classification (germline): Uncertain significance (1 of 4 stars; one submission).

Submission:

Labcorp Genetics (formerly Invitae), Labcorp
Classification: Uncertain significance. Last evaluated: 2025-10-02. Review status: criteria provided, single submitter. Criteria: Invitae Variant Classification Sherloc (09022015). Collection method: clinical testing. Allele origin: germline.
Comment: This sequence change replaces glutamine, which is neutral and polar, with glutamic acid, which is acidic and polar, at codon 58 of the CPOX protein (p.Gln58Glu). This variant is not present in population databases (gnomAD no frequency). This variant has not been reported in the literature in individuals affected with CPOX-related conditions. ClinVar contains an entry for this variant (Variation ID: 3726367). An algorithm developed to predict the effect of missense changes on protein structure and function (PolyPhen-2) suggests that this variant is likely to be tolerated. In summary, the available evidence is currently insufficient to determine the role of this variant in disease. Therefore, it has been classified as a Variant of Uncertain Significance.

NM_000097.7(CPOX):c.172C>G (p.Gln58Glu)

Genes: CPOX (coproporphyrinogen oxidase; minus strand), LOC129937121 (ATAC-STARR-seq lymphoblastoid silent region 14560; plus strand). Cytogenetic location: 3q11.2.
Variant type: single nucleotide variant.
Coding change: c.172C>G on transcript NM_000097.7 (MANE Select); coding-DNA position 172, C replaced by G.
Protein change: p.Gln58Glu; replaces glutamine 58 with glutamic acid.
Molecular consequence: missense variant.
Genome position (GRCh38, 1-based): chr3:98,593,333, G>C on the plus strand (C>G on the coding strand, the complement: CPOX is on the minus strand). VCF-style: chr3-98593333-G-C. GRCh37 (hg19) VCF-style: chr3-98312177-G-C.
Other names: short protein forms Q58E.
Identifiers: ClinVar variation 3726367 (VCV003726367.2).
Genomic context (GRCh38, chr3:98,593,333, plus strand): 5'-GCCCTGTCCCCACCCAGGGGCCGCCTCTCGACGTCGAGCCGTGCCCCAGCCCGCGGCTCT[G>C]CTCCGTGCCAGCCGGGCCAGGGGGCCGGCAGACGCGTCCGGCTGCGCTGCGCTGGGACCA-3'
Protein context (NP_000088.3, residues 48-68): CRPPGPAGTE[Gln58Glu]SRGLGHGSTS